The following is an entry in ClinVar:

ClinVar aggregate classification (germline): Pathogenic/Likely pathogenic. Review status: criteria provided, multiple submitters, no conflicts (2 of 4 stars). 2 submissions from 2 submitters: Pathogenic (1); Likely pathogenic (1). Last evaluated 2025-03-20.

Conditions:
Hermansky-Pudlak syndrome 2 (HPS2). Also called: Platelet defects and oculocutaneous albinism. Identifiers: Orphanet 183678, Orphanet 79430, MedGen C1842362, MONDO:0011997, OMIM 608233.
AP3B1-related disorder. Also called: AP3B1-related condition.

Submissions (2):

Labcorp Genetics (formerly Invitae), Labcorp
Classification: Pathogenic for Hermansky-Pudlak syndrome 2. Last evaluated: 2025-03-20. Review status: criteria provided, single submitter. Criteria: Invitae Variant Classification Sherloc (09022015). Collection method: clinical testing. Allele origin: germline.
Comment: This sequence change creates a premature translational stop signal (p.Lys923Asnfs*4) in the AP3B1 gene. It is expected to result in an absent or disrupted protein product. Loss-of-function variants in AP3B1 are known to be pathogenic (PMID: 16507770, 23403622). This variant is not present in population databases (gnomAD no frequency). This variant has not been reported in the literature in individuals affected with AP3B1-related conditions. Algorithms developed to predict the effect of sequence changes on RNA splicing suggest that this variant may disrupt the consensus splice site. For these reasons, this variant has been classified as Pathogenic.

Blueprint Genetics
Classification: Likely pathogenic for AP3B1-related disorders. Last evaluated: 2024-09-13. Review status: criteria provided, single submitter. Criteria: ACMG Guidelines, 2015. Collection method: clinical testing. Allele origin: germline. Affected: yes. Observed: 1 variant allele.

Literature cited by the submitters: PubMed 16507770 (cited by Labcorp Genetics (formerly Invitae), Labcorp); PubMed 23403622 (cited by Labcorp Genetics (formerly Invitae), Labcorp).

NM_003664.5(AP3B1):c.2769del (p.Lys923fs)

Gene: AP3B1 (adaptor related protein complex 3 subunit beta 1; minus strand). Cytogenetic location: 5q14.1.
Variant type: Deletion.
Coding change: c.2769del on transcript NM_003664.5 (MANE Select); coding-DNA position 2769, one base deleted (A; older notation c.2769delA).
Protein change: p.Lys923fs; shifts the reading frame from lysine 923.
Molecular consequence: frameshift variant.
Genome position (GRCh38, 1-based): chr5:78,039,083, T deleted on the plus strand (A on the coding strand, the reverse complement: AP3B1 is on the minus strand); the first of 8 consecutive T bases (chr5:78,039,083-78,039,090); deleting any one gives the same sequence. VCF-style (leftmost placement, unchanged base first): chr5-78039082-GT-G. GRCh37 (hg19) VCF-style: chr5-77334906-GT-G.
Other names: c.2622del, p.Lys874fs (NM_001271769.2); short protein forms K874fs, K923fs.
Identifiers: ClinVar variation 4738495 (VCV004738495.2).